The following is an entry in ClinVar:

NM_000268.4(NF2):c.587G>A (p.Arg196Gln)

Gene: NF2 (NF2, moesin-ezrin-radixin like (MERLIN) tumor suppressor; plus strand). Cytogenetic location: 22q12.2.
Variant type: single nucleotide variant.
Coding change: c.587G>A on transcript NM_000268.4 (MANE Select); coding-DNA position 587, G replaced by A.
Protein change: p.Arg196Gln; replaces arginine 196 with glutamine.
Molecular consequence: missense variant. On other transcripts: non-coding transcript variant (1), intron variant (1).
Genome position (GRCh38, 1-based): chr22:29,655,664, G>A. VCF-style: chr22-29655664-G-A. GRCh37 (hg19) VCF-style: chr22-30051653-G-A.
Other names: c.587G>A, p.Arg196Gln (NM_016418.5, NM_181825.3, NM_181832.3); c.461G>A, p.Arg154Gln (NM_181828.3); c.464G>A, p.Arg155Gln (NM_181829.3); c.338G>A, p.Arg113Gln (NM_181830.3, NM_181831.3); c.447+13379G>A (NM_181833.3); short protein forms R155Q, R113Q, R154Q, R196Q.
Identifiers: ClinVar variation 826028 (VCV000826028.15), dbSNP rs749176138, ClinGen allele CA034087.

ClinVar aggregate classification (germline): Uncertain significance. Review status: criteria provided, multiple submitters, no conflicts (2 of 4 stars). 3 submissions from 3 submitters: Uncertain significance (3). Last evaluated 2025-02-25.

Conditions:
Neurofibromatosis, type 2 (SWNV). Also called: BILATERAL ACOUSTIC NEUROFIBROMATOSIS; SCHWANNOMATOSIS, VESTIBULAR; NF2-Related Schwannomatosis. Identifiers: Orphanet 637, MedGen C0027832, MONDO:0007039, OMIM 101000. Disease mechanism: loss of function.
Hereditary cancer-predisposing syndrome. Also called: Tumor predisposition; Hereditary Cancer Syndrome; Hereditary neoplastic syndrome; Neoplastic Syndromes, Hereditary. Identifiers: Orphanet 140162, MedGen C0027672, MeSH D009386, MONDO:0015356.

Allele frequency attached by ClinVar (database versions not stated): TOPMed below 0.00001; ExAC 0.00001; gnomAD exomes below 0.00001.

Submissions (3):

Labcorp Genetics (formerly Invitae), Labcorp
Classification: Uncertain significance for Neurofibromatosis, type 2. Last evaluated: 2025-02-25. Review status: criteria provided, single submitter. Criteria: Invitae Variant Classification Sherloc (09022015). Collection method: clinical testing. Allele origin: germline.
Comment: This sequence change replaces arginine, which is basic and polar, with glutamine, which is neutral and polar, at codon 196 of the NF2 protein (p.Arg196Gln). This variant is present in population databases (rs749176138, gnomAD 0.0009%). This variant has not been reported in the literature in individuals affected with NF2-related conditions. ClinVar contains an entry for this variant (Variation ID: 826028). Invitae Evidence Modeling of protein sequence and biophysical properties (such as structural, functional, and spatial information, amino acid conservation, physicochemical variation, residue mobility, and thermodynamic stability) indicates that this missense variant is not expected to disrupt NF2 protein function with a negative predictive value of 80%. In summary, the available evidence is currently insufficient to determine the role of this variant in disease. Therefore, it has been classified as a Variant of Uncertain Significance.

Ambry Genetics
Classification: Uncertain significance for Hereditary cancer-predisposing syndrome. Last evaluated: 2025-02-14. Review status: criteria provided, single submitter. Criteria: Ambry Variant Classification Scheme 2023. Collection method: clinical testing. Allele origin: germline.
Comment: The p.R196Q variant (also known as c.587G>A), located in coding exon 6 of the NF2 gene, results from a G to A substitution at nucleotide position 587. The arginine at codon 196 is replaced by glutamine, an amino acid with highly similar properties. This amino acid position is highly conserved in available vertebrate species. In addition, the in silico prediction for this alteration is inconclusive. Since supporting evidence is limited at this time, the clinical significance of this alteration remains unclear.

Genome-Nilou Lab
Classification: Uncertain significance for Neurofibromatosis, type 2. Last evaluated: 2021-11-07. Review status: criteria provided, single submitter. Criteria: ACMG Guidelines, 2015. Collection method: clinical testing. Allele origin: germline. Affected: no.